The following is an entry in ClinVar:

NM_001042492.3(NF1):c.7322-5T>C

Gene: NF1 (neurofibromin 1; plus strand). Cytogenetic location: 17q11.2.
Variant type: single nucleotide variant.
Coding change: c.7322-5T>C on transcript NM_001042492.3 (MANE Select); 5 bases into the intron before coding-DNA position 7322, T replaced by C.
Molecular consequence: intron variant.
Genome position (GRCh38, 1-based): chr17:31,350,178, T>C. VCF-style: chr17-31350178-T-C. GRCh37 (hg19) VCF-style: chr17-29677196-T-C.
Other names: c.7259-5T>C (NM_000267.4).
Identifiers: ClinVar variation 4876188 (VCV004876188.1).

ClinVar aggregate classification (germline): Likely benign (1 of 4 stars; one submission).

Conditions:
Neurofibromatosis, type 1 (NF1). Also called: VON RECKLINGHAUSEN DISEASE; NEUROFIBROMATOSIS, TYPE I, SOMATIC; Peripheral type neurofibromatosis; Neurofibromatosis, type I. Identifiers: Orphanet 636, MedGen C0027831, MONDO:0018975, OMIM 162200. Disease mechanism: loss of function.

Submission:

Myriad Genetics, Inc.
Classification: Likely benign for Neurofibromatosis, type 1. Last evaluated: 2026-05-13. Review status: criteria provided, single submitter. Criteria: Myriad Autosomal Dominant, Autosomal Recessive and X-Linked Classification Criteria (2023). Collection method: clinical testing. Allele origin: unknown.
Comment: This variant is considered likely benign. This variant is intronic and is not expected to impact mRNA splicing.